The following is an entry in ClinVar:

ClinVar aggregate classification (germline): Uncertain significance (1 of 4 stars; one submission).

Conditions:
Primary ciliary dyskinesia. Also called: Ciliary dyskinesia. Identifiers: Orphanet 244, MedGen C0008780, MONDO:0016575, HP:0012265.

Allele frequency attached by ClinVar (database versions not stated): gnomAD exomes below 0.00001; TOPMed below 0.00001.

Submission:

Ambry Genetics
Classification: Uncertain significance for Primary ciliary dyskinesia. Last evaluated: 2017-03-23. Review status: criteria provided, single submitter. Criteria: Ambry Variant Classification Scheme 2023. Collection method: clinical testing. Allele origin: germline.
Comment: The p.D2061E variant (also known as c.6183T>A), located in coding exon 37 of the DNAH11 gene, results from a T to A substitution at nucleotide position 6183. The aspartic acid at codon 2061 is replaced by glutamic acid, an amino acid with highly similar properties. This amino acid position is well conserved in available vertebrate species. In addition, this alteration is predicted to be tolerated by in silico analysis. Since supporting evidence is limited at this time, the clinical significance of this alteration remains unclear.

NM_001277115.2(DNAH11):c.6183T>A (p.Asp2061Glu)

Gene: DNAH11 (dynein axonemal heavy chain 11; plus strand). Cytogenetic location: 7p15.3.
Variant type: single nucleotide variant.
Coding change: c.6183T>A on transcript NM_001277115.2 (MANE Select); coding-DNA position 6183, T replaced by A.
Protein change: p.Asp2061Glu; replaces aspartic acid 2061 with glutamic acid.
Molecular consequence: missense variant.
Genome position (GRCh38, 1-based): chr7:21,702,712, T>A. VCF-style: chr7-21702712-T-A. GRCh37 (hg19) VCF-style: chr7-21742330-T-A.
Other names: c.6204T>A, p.Asp2068Glu (NM_003777.3); short protein forms D2068E, D2061E.
Identifiers: ClinVar variation 1752078 (VCV001752078.2), dbSNP rs1784115914, ClinGen allele CA366936130.